The following is an entry in ClinVar:

ClinVar aggregate classification (germline): Conflicting classifications of pathogenicity. Review status: criteria provided, conflicting classifications (1 of 4 stars). 20 submissions from 16 submitters: Uncertain significance (3); Benign (5); Likely benign (12). Last evaluated 2026-09-01.

Conditions:
Autosomal recessive limb-girdle muscular dystrophy type 2J (LGMDR10). Also called: MUSCULAR DYSTROPHY, LIMB-GIRDLE, AUTOSOMAL RECESSIVE 10; Limb-girdle muscular dystrophy, type 2J. Identifiers: Orphanet 140922, MedGen C1837342, MONDO:0012127, OMIM 608807.
Dilated cardiomyopathy 1G (CMD1G). Identifiers: Orphanet 154, MedGen C1858763, MONDO:0011400, OMIM 604145.
Limb-girdle muscular dystrophy (LGMD). Also called: Muscular Dystrophies, Limb-Girdle. Identifiers: Orphanet 263, MedGen C0686353, MeSH D049288, MONDO:0016971, HP:0006785.
Cardiomyopathy (CMYO). Also called: Cardiomyopathies. Identifiers: Orphanet 167848, MedGen C0878544, MONDO:0004994, HP:0001638. Inheritance: Various modes of inheritance.
Early-onset myopathy with fatal cardiomyopathy (CMYO5). Also called: CONGENITAL MYOPATHY 5 WITH CARDIOMYOPATHY; Salih Myopathy. Identifiers: Orphanet 289377, MedGen C2673677, MONDO:0012714, OMIM 611705. Disease mechanism: loss of function.
Myopathy, myofibrillar, 9, with early respiratory failure (MFM9). Also called: Myopathy, distal, with early respiratory failure, autosomal dominant; Hereditary myopathy with early respiratory failure; EDSTROM MYOPATHY; MYOPATHY, PROXIMAL, WITH EARLY RESPIRATORY MUSCLE INVOLVEMENT. Identifiers: Orphanet 178464, Orphanet 34521, MedGen C1863599, MONDO:0011362, OMIM 603689.
Tibial muscular dystrophy (TMD). Also called: Tibial muscular dystrophy, tardive; Udd Distal Myopathy – Tibial Muscular Dystrophy; UDD MYOPATHY. Identifiers: Orphanet 609, MedGen C1838244, MONDO:0010870, OMIM 600334.

Allele frequency attached by ClinVar (database versions not stated): gnomAD 0.00146 and 0.00148; ExAC 0.00149; 1000 Genomes Project 0.00160; TOPMed 0.00163; ESP Exome Variant Server 0.00234; gnomAD exomes 0.00159 and 0.00215; 1000 Genomes Project 30x 0.00172.
gnomAD v4.1: 3,358 of 1,612,462 alleles (0.21%); highest among the groups gnomAD compares: Non-Finnish European, 0.26%; 6 homozygotes.

Submissions (20):

CeGaT Center for Human Genetics Tuebingen
Classification: Likely benign. Last evaluated: 2026-09-01. Review status: criteria provided, single submitter. Criteria: CeGaT Center For Human Genetics Tuebingen Variant Classification Criteria Version 2. Collection method: clinical testing. Allele origin: germline. Affected: yes. Observed: 25 variant alleles.
Comment: TTN: BP4

Labcorp Genetics (formerly Invitae), Labcorp
Classification: Likely benign for Dilated cardiomyopathy 1G; Autosomal recessive limb-girdle muscular dystrophy type 2J. Last evaluated: 2026-02-03. Review status: criteria provided, single submitter. Criteria: Invitae Variant Classification Sherloc (09022015). Collection method: clinical testing. Allele origin: germline.

Mayo Clinic Laboratories, Mayo Clinic
Classification: Likely benign. Last evaluated: 2025-05-01. Review status: criteria provided, single submitter. Criteria: ACMG Guidelines, 2015. Collection method: clinical testing. Allele origin: germline. Observed: 8 variant alleles.
Comment: BS1, BS2, BP4

ARUP Laboratories, Molecular Genetics and Genomics, ARUP Laboratories
Classification: Likely benign. Last evaluated: 2025-04-17. Review status: criteria provided, single submitter. Criteria: ARUP Molecular Germline Variant Investigation Process 2024. Collection method: clinical testing. Allele origin: germline.

Molecular Diagnostic Laboratory for Inherited Cardiovascular Disease, Montreal Heart Institute
Classification: Likely benign. Last evaluated: 2025-04-09. Review status: criteria provided, single submitter. Criteria: ACMG Guidelines, 2015. Collection method: clinical testing. Allele origin: germline. Affected: no.

Blueprint Genetics
Classification: Likely benign. Last evaluated: 2024-11-25. Review status: criteria provided, single submitter. Criteria: ACMG Guidelines, 2015. Collection method: clinical testing. Allele origin: germline.

Athena Diagnostics
Classification: Benign. Last evaluated: 2024-01-29. Review status: criteria provided, single submitter. Criteria: Athena Diagnostics Criteria. Collection method: clinical testing. Allele origin: unknown.

CHEO Genetics Diagnostic Laboratory, Children's Hospital of Eastern Ontario
Classification: Benign for Cardiomyopathy. Last evaluated: 2023-01-11. Review status: criteria provided, single submitter. Criteria: ACMG Guidelines, 2015. Collection method: clinical testing. Allele origin: germline. Study: Canadian Open Genetics Repository.

Women's Health and Genetics/Laboratory Corporation of America, LabCorp
Classification: Likely benign. Last evaluated: 2021-07-06. Review status: criteria provided, single submitter. Criteria: LabCorp Variant Classification Summary - May 2015. Collection method: clinical testing. Allele origin: germline.
Comment: Variant summary: TTN c.29684G>C (p.Arg9895Thr) results in a non-conservative amino acid change located in the I-band of the encoded protein sequence. Two of three in-silico tools predict a damaging effect of the variant on protein function. Several computational tools predict a significant impact on normal splicing: Two predict the variant creates a 3 acceptor site. However, these predictions have yet to be confirmed by functional studies. The variant allele was found at a frequency of 0.0016 in 248220 control chromosomes, predominantly at a frequency of 0.0026 within the Non-Finnish European subpopulation in the gnomAD database. The observed variant frequency within Non-Finnish European control individuals in the gnomAD database is approximately 6.7 fold of the estimated maximal expected allele frequency for a pathogenic variant in TTN causing Dilated Cardiomyopathy phenotype (0.00039), strongly suggesting that the variant is a benign polymorphism found primarily in populations of Non-Finnish European origin. c.29684G>C has been reported in the literature in individuals without strong evidence for pathogenicity (Campuzano_2015). This report therefore, does not provide unequivocal conclusions about association of the variant with Dilated Cardiomyopathy. To our knowledge, no experimental evidence demonstrating an impact on protein function has been reported. Seven ClinVar submitters (evaluation after 2014) cite the variant as likely benign/benign (n=5) or uncertain significance (n=1). Based on the evidence outlined above, the variant was classified as likely benign.

GeneDx
Classification: Benign. Last evaluated: 2019-09-03. Review status: criteria provided, single submitter. Criteria: GeneDx Variant Classification Process June 2021. Collection method: clinical testing. Allele origin: germline. Affected: yes.

Cambridge Genomics Laboratory, East Genomic Laboratory Hub, NHS Genomic Medicine Service
Classification: Likely benign for Limb-girdle muscular dystrophy. Last evaluated: 2019-04-17. Review status: criteria provided, single submitter. Criteria: ACGS Best Practice Guidelines for Variant Classification in Rare Disease 2020. Collection method: clinical testing. Allele origin: germline. Affected: yes. Observed: 1 variant allele.

Illumina Laboratory Services, Illumina
Classification: Uncertain significance for Dilated cardiomyopathy 1G. Last evaluated: 2018-01-13. Review status: criteria provided, single submitter. Criteria: ICSL Variant Classification Criteria 13 December 2019. Collection method: clinical testing. Allele origin: germline.

Illumina Laboratory Services, Illumina
Classification: Benign for Myopathy, myofibrillar, 9, with early respiratory failure. Last evaluated: 2018-01-13. Review status: criteria provided, single submitter. Criteria: ICSL Variant Classification Criteria 13 December 2019. Collection method: clinical testing. Allele origin: germline.
Comment: This variant was observed in the ICSL laboratory as part of a predisposition screen in an ostensibly healthy population. It had not been previously curated by ICSL or reported in the Human Gene Mutation Database (HGMD: prior to June 1st, 2018), and was therefore a candidate for classification through an automated scoring system. Utilizing variant allele frequency, disease prevalence and penetrance estimates, and inheritance mode, an automated score was calculated to assess if this variant is too frequent to cause the disease. Based on the score and internal cut-off values, a variant classified as benign is not then subjected to further curation. The score for this variant resulted in a classification of benign for this disease.

Illumina Laboratory Services, Illumina
Classification: Uncertain significance for Autosomal recessive limb-girdle muscular dystrophy type 2J. Last evaluated: 2018-01-13. Review status: criteria provided, single submitter. Criteria: ICSL Variant Classification Criteria 13 December 2019. Collection method: clinical testing. Allele origin: germline.

Illumina Laboratory Services, Illumina
Classification: Benign for Tibial muscular dystrophy. Last evaluated: 2018-01-13. Review status: criteria provided, single submitter. Criteria: ICSL Variant Classification Criteria 13 December 2019. Collection method: clinical testing. Allele origin: germline.
Comment: the same text as in the submission from Illumina Laboratory Services, Illumina above.

Illumina Laboratory Services, Illumina
Classification: Uncertain significance for Early-onset myopathy with fatal cardiomyopathy. Last evaluated: 2018-01-13. Review status: criteria provided, single submitter. Criteria: ICSL Variant Classification Criteria 13 December 2019. Collection method: clinical testing. Allele origin: germline.

Eurofins Ntd Llc (ga)
Classification: Likely benign. Last evaluated: 2016-08-16. Review status: criteria provided, single submitter. Criteria: EGL Classification Definitions 2015. Collection method: clinical testing. Allele origin: germline. Observed: 4 variant alleles, 4 heterozygotes.

Biesecker Lab/Clinical Genomics Section, National Institutes of Health
Classification: Likely benign. Last evaluated: 2013-06-24. Review status: criteria provided, single submitter. Criteria: Ng et al. (Circ Cardiovasc Genet. 2013). Collection method: research. Allele origin: unknown. Observed: 2 variant alleles. Study: ClinSeq.
Comment: The study set was not selected for affection status in relation to any cancer. Pathogenicity categories were based on literature curation. See Pubmed ID:23861362 for details.

Medical sequencing

Laboratory for Molecular Medicine, Mass General Brigham Personalized Medicine
Classification: Likely benign. Last evaluated: 2012-04-25. Review status: criteria provided, single submitter. Criteria: LMM Criteria. Collection method: clinical testing. Allele origin: germline. Observed: 4 variant alleles.
Comment: Arg9895Thr in exon 140 of TTN: This variant is not expected to have clinical sig nificance because it has been identified in 0.4% (28/6630) of European American chromosomes by the NHLBI Exome Sequencing Project (EVS/rs72650040). Arg9895Thr in exon 140 of TTN (rs72650040; allele frequency = 0.4%, 28/6630) **

PreventionGenetics, part of Exact Sciences
Classification: Likely benign. Review status: criteria provided, single submitter. Criteria: ACMG Guidelines, 2015. Collection method: clinical testing. Allele origin: germline.

Literature cited by the submitters: PubMed 26516846 (cited by Athena Diagnostics and Women's Health and Genetics/Laboratory Corporation of America, LabCorp).

NM_001267550.2(TTN):c.33416G>C (p.Arg11139Thr)

Gene: TTN (titin; minus strand). Cytogenetic location: 2q31.2.
Variant type: single nucleotide variant.
Coding change: c.33416G>C on transcript NM_001267550.2 (MANE Select); coding-DNA position 33416, G replaced by C.
Protein change: p.Arg11139Thr; replaces arginine 11139 with threonine.
Molecular consequence: missense variant. On other transcripts: intron variant (3).
Genome position (GRCh38, 1-based): chr2:178,680,256, C>G on the plus strand (G>C on the coding strand, the complement: TTN is on the minus strand). VCF-style: chr2-178680256-C-G. GRCh37 (hg19) VCF-style: chr2-179544983-C-G.
Other names: p.R10822T:AGA>ACA; c.32465G>C, p.Arg10822Thr (NM_001256850.1); c.29684G>C, p.Arg9895Thr (NM_133378.4); c.13283-37939G>C (NM_003319.4); c.13859-37939G>C (NM_133437.4); c.13658-37939G>C (NM_133432.3); c.33416G>C (NM_001267550.1); short protein forms R11139T, R9895T, R10822T.
Identifiers: ClinVar variation 46888 (VCV000046888.81), dbSNP rs72650040, ClinGen allele CA139436.